The following is an entry in ClinVar:

NM_000122.2(ERCC3):c.726T>C (p.Ser242=)

Gene: ERCC3 (ERCC excision repair 3, TFIIH core complex helicase subunit; minus strand). Cytogenetic location: 2q14.3.
Variant type: single nucleotide variant.
Coding change: c.726T>C on transcript NM_000122.2 (MANE Select); coding-DNA position 726, T replaced by C.
Protein change: p.Ser242=; no amino-acid change (serine 242 retained).
Molecular consequence: synonymous variant.
Genome position (GRCh38, 1-based): chr2:127,289,433, A>G on the plus strand (T>C on the coding strand, the complement: ERCC3 is on the minus strand). VCF-style: chr2-127289433-A-G. GRCh37 (hg19) VCF-style: chr2-128047009-A-G.
Other names: c.534T>C, p.Ser178= (NM_001303416.2, NM_001303418.2).
Identifiers: ClinVar variation 1600619 (VCV001600619.32), dbSNP rs756001958, ClinGen allele CA1858456.

ClinVar aggregate classification (germline): Benign/Likely benign. Review status: criteria provided, multiple submitters, no conflicts (2 of 4 stars). 2 submissions from 2 submitters: Benign (1); Likely benign (1). Last evaluated 2024-04-19.

Allele frequency attached by ClinVar (database versions not stated): gnomAD exomes 0.00003 and 0.00006; ExAC 0.00009.
gnomAD v4.1: 41 of 1,613,216 alleles (0.0025%); highest among the groups gnomAD compares: South Asian, 0.045%; 2 homozygotes.

Submissions (2):

Labcorp Genetics (formerly Invitae), Labcorp
Classification: Benign. Last evaluated: 2024-04-19. Review status: criteria provided, single submitter. Criteria: Invitae Variant Classification Sherloc (09022015). Collection method: clinical testing. Allele origin: germline.

CeGaT Center for Human Genetics Tuebingen
Classification: Likely benign. Last evaluated: 2022-12-01. Review status: criteria provided, single submitter. Criteria: CeGaT Center For Human Genetics Tuebingen Variant Classification Criteria Version 2. Collection method: clinical testing. Allele origin: germline. Affected: yes. Observed: 1 variant allele.
Comment: ERCC3: BP4, BP7